The following is an entry in ClinVar:

ClinVar aggregate classification (germline): Uncertain significance (1 of 4 stars; one submission).

Conditions:
Congenital muscular dystrophy due to integrin alpha-7 deficiency. Also called: MYOPATHY, CONGENITAL, DUE TO INTEGRIN ALPHA-7 DEFICIENCY; Congenital muscular dystrophy with integrin alpha-7 deficiency; Muscular dystrophy, congenital, due to ITGA7 deficiency. Identifiers: Orphanet 34520, MedGen C2750786, MONDO:0013177, OMIM 613204.

Allele frequency attached by ClinVar (database versions not stated): gnomAD exomes 0.00001; TOPMed 0.00006; gnomAD 0.00007.
gnomAD v4.1: 20 of 1,613,894 alleles (0.0012%); highest among the groups gnomAD compares: Admixed American, 0.03%; no homozygotes.

Submission:

Labcorp Genetics (formerly Invitae), Labcorp
Classification: Uncertain significance for Congenital muscular dystrophy due to integrin alpha-7 deficiency. Last evaluated: 2023-07-07. Review status: criteria provided, single submitter. Criteria: Invitae Variant Classification Sherloc (09022015). Collection method: clinical testing. Allele origin: germline.
Comment: In summary, the available evidence is currently insufficient to determine the role of this variant in disease. Therefore, it has been classified as a Variant of Uncertain Significance. Algorithms developed to predict the effect of sequence changes on RNA splicing suggest that this variant may disrupt the consensus splice site. Advanced modeling of protein sequence and biophysical properties (such as structural, functional, and spatial information, amino acid conservation, physicochemical variation, residue mobility, and thermodynamic stability) performed at Invitae indicates that this missense variant is not expected to disrupt ITGA7 protein function. ClinVar contains an entry for this variant (Variation ID: 2191213). This variant has not been reported in the literature in individuals affected with ITGA7-related conditions. This variant is present in population databases (no rsID available, gnomAD 0.02%). This sequence change replaces asparagine, which is neutral and polar, with serine, which is neutral and polar, at codon 230 of the ITGA7 protein (p.Asn230Ser).

NM_002206.3(ITGA7):c.689A>G (p.Asn230Ser)

Gene: ITGA7 (integrin subunit alpha 7; minus strand). Cytogenetic location: 12q13.2.
Variant type: single nucleotide variant.
Coding change: c.689A>G on transcript NM_002206.3 (MANE Select); coding-DNA position 689, A replaced by G.
Protein change: p.Asn230Ser; replaces asparagine 230 with serine.
Molecular consequence: missense variant. On other transcripts: intron variant (7).
Genome position (GRCh38, 1-based): chr12:55,699,971, T>C on the plus strand (A>G on the coding strand, the complement: ITGA7 is on the minus strand). VCF-style: chr12-55699971-T-C. GRCh37 (hg19) VCF-style: chr12-56093755-T-C.
Other names: c.689A>G, p.Asn230Ser (NM_001374465.1, NM_001414031.1, NM_001414034.1); c.821A>G, p.Asn274Ser (NM_001410977.1); c.506A>G, p.Asn169Ser (NM_001414033.1); c.350A>G, p.Asn117Ser (NM_001414035.1); c.511+291A>G (NM_001144997.2); c.463+291A>G (NM_001367993.1); c.-503+928A>G (NM_001367994.1); c.670+928A>G (NM_001414032.1); and 1 more; short protein forms N169S, N230S, N274S, N117S.
Identifiers: ClinVar variation 2191213 (VCV002191213.4), dbSNP rs1245696856, ClinGen allele CA385191580.